The following is an entry in ClinVar:

ClinVar aggregate classification (germline): Uncertain significance (1 of 4 stars; one submission).

Conditions:
Primary immunodeficiency with post-measles-mumps-rubella vaccine viral infection. Also called: Immunodeficiency 44. Identifiers: Orphanet 431166, MedGen C4225260, MONDO:0014715, OMIM 616636.

Allele frequency attached by ClinVar (database versions not stated): gnomAD exomes below 0.00001; ExAC 0.00001; gnomAD 0.00001 and 0.00002; TOPMed 0.00003; 1000 Genomes Project 30x 0.00016; 1000 Genomes Project 0.00020.

Submission:

Labcorp Genetics (formerly Invitae), Labcorp
Classification: Uncertain significance for Primary immunodeficiency with post-measles-mumps-rubella vaccine viral infection. Last evaluated: 2021-09-09. Review status: criteria provided, single submitter. Criteria: Invitae Variant Classification Sherloc (09022015). Collection method: clinical testing. Allele origin: germline.
Comment: This sequence change replaces methionine with valine at codon 519 of the STAT2 protein (p.Met519Val). The methionine residue is moderately conserved and there is a small physicochemical difference between methionine and valine. This variant is present in population databases (rs190412290, ExAC 0.009%). This variant has not been reported in the literature in individuals affected with STAT2-related conditions. Advanced modeling of protein sequence and biophysical properties (such as structural, functional, and spatial information, amino acid conservation, physicochemical variation, residue mobility, and thermodynamic stability) performed at Invitae indicates that this missense variant is expected to disrupt STAT2 protein function. In summary, the available evidence is currently insufficient to determine the role of this variant in disease. Therefore, it has been classified as a Variant of Uncertain Significance.

NM_005419.4(STAT2):c.1555A>G (p.Met519Val)

Gene: STAT2 (signal transducer and activator of transcription 2; minus strand). Cytogenetic location: 12q13.3.
Variant type: single nucleotide variant.
Coding change: c.1555A>G on transcript NM_005419.4 (MANE Select); coding-DNA position 1555, A replaced by G.
Protein change: p.Met519Val; replaces methionine 519 with valine.
Molecular consequence: missense variant.
Genome position (GRCh38, 1-based): chr12:56,348,945, T>C on the plus strand (A>G on the coding strand, the complement: STAT2 is on the minus strand). VCF-style: chr12-56348945-T-C. GRCh37 (hg19) VCF-style: chr12-56742729-T-C.
Other names: c.1522A>G, p.Met508Val (NM_001385110.1); c.1456A>G, p.Met486Val (NM_001385111.1); c.1555A>G, p.Met519Val (NM_001385113.1); c.1534A>G, p.Met512Val (NM_001385114.1); c.1513A>G, p.Met505Val (NM_001385115.1); c.1543A>G, p.Met515Val (NM_198332.2); short protein forms M515V, M512V, M486V, M505V, M508V, M519V.
Identifiers: ClinVar variation 1406354 (VCV001406354.3), dbSNP rs190412290, ClinGen allele CA6630485.